The following is an entry in ClinVar:

NM_014915.3(ANKRD26):c.1219G>T (p.Ala407Ser)

Gene: ANKRD26 (ankyrin repeat domain 26; minus strand). Cytogenetic location: 10p12.1.
Variant type: single nucleotide variant.
Coding change: c.1219G>T on transcript NM_014915.3 (MANE Select); coding-DNA position 1219, G replaced by T.
Protein change: p.Ala407Ser; replaces alanine 407 with serine.
Molecular consequence: missense variant.
Genome position (GRCh38, 1-based): chr10:27,066,537, C>A on the plus strand (G>T on the coding strand, the complement: ANKRD26 is on the minus strand). VCF-style: chr10-27066537-C-A. GRCh37 (hg19) VCF-style: chr10-27355466-C-A.
Other names: c.1219G>T, p.Ala407Ser (NM_001256053.2); short protein forms A407S.
Identifiers: ClinVar variation 4813163 (VCV004813163.1).

ClinVar aggregate classification (germline): Uncertain significance (1 of 4 stars; one submission).

Conditions:
Thrombocytopenia 2 (THC2). Also called: ANKRD26-Related Thrombocytopenia. Identifiers: Orphanet 268322, MedGen C1861185, MONDO:0008555, OMIM 188000.

Submission:

St. Jude Molecular Pathology, St. Jude Children's Research Hospital
Classification: Uncertain significance for Thrombocytopenia 2. Last evaluated: 2026-02-11. Review status: criteria provided, single submitter. Criteria: St. Jude Assertion Criteria 2020. Collection method: clinical testing. Allele origin: germline.
Comment: The ANKRD26 c.1219G>T p.(Ala407Ser) missense change is absent in gnomAD v2.1.1. This variant is not located in the 5' UTR. The in silico tool REVEL predicts a benign effect on protein function, but to our knowledge this prediction has not been confirmed by functional studies. To our knowledge, this variant has not been reported in the literature in individuals with ANKRD26-related thrombocytopenia. In summary, the evidence currently available is insufficient to determine the clinical significance of this variant. It has therefore been classified as of uncertain significance.